The following is an entry in ClinVar:

ClinVar aggregate classification (germline): Likely pathogenic (0 of 4 stars; one submission).

Conditions:
KAT6B-related disorder. Also called: KAT6B-related disorders; KAT6B-related condition.

Submission:

PreventionGenetics, part of Exact Sciences
Classification: Likely pathogenic for KAT6B-related condition. Last evaluated: 2024-09-27. Review status: no assertion criteria provided. Collection method: clinical testing. Allele origin: germline.
Comment: The KAT6B c.5848_5849delGT variant is predicted to result in a frameshift and premature protein termination (p.Val1950Serfs*95). To our knowledge, this variant has not been reported in the literature or in a large population database, indicating this variant is rare. This variant is located in the terminal exon. Only one other early termination change downstream has been reported as causative (Levy et al. 2022. PubMed ID: 35904121). Frameshift variants in KAT6B are expected to be pathogenic. This variant is interpreted as likely pathogenic.

NM_012330.4(KAT6B):c.5848_5849del (p.Val1950fs)

Gene: KAT6B (lysine acetyltransferase 6B; plus strand). Cytogenetic location: 10q22.2.
Variant type: Deletion.
Coding change: c.5848_5849del on transcript NM_012330.4 (MANE Select); coding-DNA positions 5848 to 5849, 2 bases deleted (GT; older notation c.5848_5849delGT).
Protein change: p.Val1950fs; shifts the reading frame from valine 1950.
Molecular consequence: frameshift variant.
Genome position (GRCh38, 1-based): chr10:75,030,672-75,030,673, GT deleted; deleting any 2 consecutive bases within chr10:75,030,671-75,030,673 gives the same sequence; the c. name uses the placement nearest the transcript's 3' end. VCF-style (leftmost placement, unchanged base first): chr10-75030670-CTG-C. GRCh37 (hg19) VCF-style: chr10-76790428-CTG-C.
Other names: c.5299_5300del, p.Val1767fs (NM_001256468.2, NM_001370138.1); c.4972_4973del, p.Val1658fs (NM_001256469.2, NM_001370139.1, NM_001370140.1 and 2 more transcripts); c.4810_4811del, p.Val1604fs (NM_001370132.1); c.4159_4160del, p.Val1387fs (NM_001370133.1); c.3763_3764del, p.Val1255fs (NM_001370134.1); c.3505_3506del, p.Val1169fs (NM_001370135.1); c.5848_5849del, p.Val1950fs (NM_001370136.1, NM_001370137.1); c.4783_4784del, p.Val1595fs (NM_001370143.1, NM_001370144.1); short protein forms V1169fs, V1255fs, V1387fs, V1595fs, V1604fs, V1658fs, V1767fs, V1950fs.
Identifiers: ClinVar variation 3347786 (VCV003347786.1).